The following is an entry in ClinVar:

NM_003151.4(STAT4):c.1549A>T (p.Met517Leu)

Gene: STAT4 (signal transducer and activator of transcription 4; minus strand). Cytogenetic location: 2q32.2.
Variant type: single nucleotide variant.
Coding change: c.1549A>T on transcript NM_003151.4 (MANE Select); coding-DNA position 1549, A replaced by T.
Protein change: p.Met517Leu; replaces methionine 517 with leucine.
Molecular consequence: missense variant.
Genome position (GRCh38, 1-based): chr2:191,036,185, T>A on the plus strand (A>T on the coding strand, the complement: STAT4 is on the minus strand). VCF-style: chr2-191036185-T-A. GRCh37 (hg19) VCF-style: chr2-191900911-T-A.
Other names: c.1549A>T, p.Met517Leu (NM_001243835.2); short protein forms M517L.
Identifiers: ClinVar variation 4741441 (VCV004741441.1).

ClinVar aggregate classification (germline): Uncertain significance (1 of 4 stars; one submission).

gnomAD v4.1: 1 of 1,614,122 alleles (0.000062%); highest among the groups gnomAD compares: South Asian, 0.0011%; no homozygotes.

Submission:

Labcorp Genetics (formerly Invitae), Labcorp
Classification: Uncertain significance. Last evaluated: 2025-03-23. Review status: criteria provided, single submitter. Criteria: Invitae Variant Classification Sherloc (09022015). Collection method: clinical testing. Allele origin: germline.
Comment: This sequence change replaces methionine, which is neutral and non-polar, with leucine, which is neutral and non-polar, at codon 517 of the STAT4 protein (p.Met517Leu). This variant is present in population databases (rs755317297, gnomAD 0.003%). This variant has not been reported in the literature in individuals affected with STAT4-related conditions. Invitae Evidence Modeling of protein sequence and biophysical properties (such as structural, functional, and spatial information, amino acid conservation, physicochemical variation, residue mobility, and thermodynamic stability) indicates that this missense variant is expected to disrupt STAT4 protein function with a positive predictive value of 80%. In summary, the available evidence is currently insufficient to determine the role of this variant in disease. Therefore, it has been classified as a Variant of Uncertain Significance.